The following is an entry in ClinVar:

ClinVar aggregate classification (germline): Benign (0 of 4 stars; one submission).

Conditions:
PREX2-related disorder. Also called: PREX2-related condition.

Allele frequency attached by ClinVar (database versions not stated): ESP Exome Variant Server 0.44387; ExAC 0.44831; gnomAD 0.45269; TOPMed 0.45315; 1000 Genomes Project 0.47983; 1000 Genomes Project 30x 0.48376.
gnomAD v4.1: 682,874 of 1,612,828 alleles (42%); highest among the groups gnomAD compares: African/African-American, 52%; 146,358 homozygotes.

Submission:

PreventionGenetics, part of Exact Sciences
Classification: Benign for PREX2-related condition. Last evaluated: 2019-10-17. Review status: no assertion criteria provided. Collection method: clinical testing. Allele origin: germline.
Comment: This variant is classified as benign based on ACMG/AMP sequence variant interpretation guidelines (Richards et al. 2015 PMID: 25741868, with internal and published modifications).

NM_024870.4(PREX2):c.2868T>C (p.Ser956=)

Gene: PREX2 (phosphatidylinositol-3,4,5-trisphosphate dependent Rac exchange factor 2; plus strand). Cytogenetic location: 8q13.2.
Variant type: single nucleotide variant.
Coding change: c.2868T>C on transcript NM_024870.4 (MANE Select); coding-DNA position 2868, T replaced by C.
Protein change: p.Ser956=; no amino-acid change (serine 956 retained).
Molecular consequence: synonymous variant.
Genome position (GRCh38, 1-based): chr8:68,108,261, T>C. VCF-style: chr8-68108261-T-C. GRCh37 (hg19) VCF-style: chr8-69020496-T-C.
Identifiers: ClinVar variation 3060975 (VCV003060975.2), dbSNP rs4260880, ClinGen allele CA4774264.